The following is an entry in ClinVar:

ClinVar aggregate classification (germline): Pathogenic (1 of 4 stars; one submission).

Conditions:
Charcot-Marie-Tooth disease type 4A. Also called: Charcot-Marie-Tooth disease, demyelinating, autosomal recessive, type 4a. Identifiers: Orphanet 99948, MedGen C1859198, MONDO:0008961, OMIM 214400.

Submission:

Labcorp Genetics (formerly Invitae), Labcorp
Classification: Pathogenic for Charcot-Marie-Tooth disease type 4A. Last evaluated: 2024-11-30. Review status: criteria provided, single submitter. Criteria: Invitae Variant Classification Sherloc (09022015). Collection method: clinical testing. Allele origin: germline.
Comment: This sequence change creates a premature translational stop signal (p.Glu84Lysfs*3) in the GDAP1 gene. It is expected to result in an absent or disrupted protein product. Loss-of-function variants in GDAP1 are known to be pathogenic (PMID: 11743580). This variant is not present in population databases (gnomAD no frequency). This variant has not been reported in the literature in individuals affected with GDAP1-related conditions. ClinVar contains an entry for this variant (Variation ID: 1452369). Algorithms developed to predict the effect of sequence changes on RNA splicing suggest that this variant may disrupt the consensus splice site. For these reasons, this variant has been classified as Pathogenic.

Literature cited by the submitters: PubMed 11743580.

NM_018972.4(GDAP1):c.250del (p.Glu84fs)

Gene: GDAP1 (ganglioside induced differentiation associated protein 1; plus strand). Cytogenetic location: 8q21.11.
Variant type: Deletion.
Coding change: c.250del on transcript NM_018972.4 (MANE Select); coding-DNA position 250, one base deleted (G; older notation c.250delG).
Protein change: p.Glu84fs; shifts the reading frame from glutamic acid 84.
Molecular consequence: frameshift variant. On other transcripts: intron variant (2).
Genome position (GRCh38, 1-based): chr8:74,351,406, G deleted; the last of 4 consecutive G bases (chr8:74,351,403-74,351,406); deleting any one gives the same sequence. VCF-style (leftmost placement, unchanged base first): chr8-74351402-CG-C. GRCh37 (hg19) VCF-style: chr8-75263637-CG-C.
Other names: c.46del, p.Glu16fs (NM_001040875.4); c.250del, p.Glu84fs (NM_001362930.2, NM_001362931.2); c.-18+85del (NM_001362929.2); c.-18+828del (NM_001362932.2); short protein forms E16fs, E84fs.
Identifiers: ClinVar variation 1452369 (VCV001452369.6), dbSNP rs1241632021, ClinGen allele CA855191875.